The following is an entry in ClinVar:

ClinVar aggregate classification (germline): Uncertain significance. Review status: criteria provided, multiple submitters, no conflicts (2 of 4 stars). 2 submissions from 2 submitters: Uncertain significance (2). Last evaluated 2025-05-13.

Conditions:
Inborn genetic diseases. Identifiers: MedGen C0950123, MeSH D030342.
CYBB-related disorder. Also called: CYBB-related condition.

Submissions (2):

Ambry Genetics
Classification: Uncertain significance for Inborn genetic diseases. Last evaluated: 2025-05-13. Review status: criteria provided, single submitter. Criteria: Ambry Variant Classification Scheme 2023. Collection method: clinical testing. Allele origin: germline.

PreventionGenetics, part of Exact Sciences
Classification: Uncertain significance for CYBB-related condition. Last evaluated: 2023-05-04. Review status: criteria provided, single submitter. Criteria: ACMG Guidelines, 2015. Collection method: clinical testing. Allele origin: germline.
Comment: The CYBB c.1206G>T variant is predicted to result in the amino acid substitution p.Glu402Asp. To our knowledge, this variant has not been reported in the literature or in a large population database, indicating this variant is rare. At this time, the clinical significance of this variant is uncertain due to the absence of conclusive functional and genetic evidence.

NM_000397.4(CYBB):c.1206G>T (p.Glu402Asp)

Gene: CYBB (cytochrome b-245 beta chain; plus strand). Cytogenetic location: Xp11.4.
Variant type: single nucleotide variant.
Coding change: c.1206G>T on transcript NM_000397.4 (MANE Select); coding-DNA position 1206, G replaced by T.
Protein change: p.Glu402Asp; replaces glutamic acid 402 with aspartic acid.
Molecular consequence: missense variant.
Genome position (GRCh38, 1-based): chrX:37,805,060, G>T. VCF-style: chrX-37805060-G-T. GRCh37 (hg19) VCF-style: chrX-37664313-G-T.
Other names: short protein forms E402D.
Identifiers: ClinVar variation 2631836 (VCV002631836.2), dbSNP rs2519209755, ClinGen allele CA412977729.
Genomic context (GRCh38, chrX:37,805,060, plus strand): 5'-CTTCAGGATAGCGGTTGATGGGCCCTTTGGCACTGCCAGTGAAGATGTGTTCAGCTATGA[G>T]GTGGTGATGTTAGTGGGAGCAGGGATTGGGGTCACACCCTTCGCATCCATTCTCAAGTCA-3'
Protein context (NP_000388.2, residues 392-412): GTASEDVFSY[Glu402Asp]VVMLVGAGIG